The following is an entry in ClinVar:

ClinVar aggregate classification (germline): Uncertain significance (1 of 4 stars; one submission).

Conditions:
Familial thoracic aortic aneurysm and aortic dissection (TAAD). Also called: Thoracic aortic aneurysms and dissections. Identifiers: Orphanet 91387, MedGen C4707243, MONDO:0019625.

gnomAD v4.1: 1 of 1,211,541 alleles (0.000083%); highest among the groups gnomAD compares: Non-Finnish European, 0.00011%; no homozygotes.

Submission:

Ambry Genetics
Classification: Uncertain significance for Familial thoracic aortic aneurysm and aortic dissection. Last evaluated: 2023-07-16. Review status: criteria provided, single submitter. Criteria: Ambry Variant Classification Scheme 2023. Collection method: clinical testing. Allele origin: germline.
Comment: The p.V955L variant (also known as c.2863G>C), located in coding exon 21 of the MED12 gene, results from a G to C substitution at nucleotide position 2863. The valine at codon 955 is replaced by leucine, an amino acid with highly similar properties. This amino acid position is conserved. In addition, this alteration is predicted to be deleterious by in silico analysis. Since supporting evidence is limited at this time, the clinical significance of this alteration remains unclear.

NM_005120.3(MED12):c.2863G>C (p.Val955Leu)

Gene: MED12 (mediator complex subunit 12; plus strand). Cytogenetic location: Xq13.1.
Variant type: single nucleotide variant.
Coding change: c.2863G>C on transcript NM_005120.3 (MANE Select); coding-DNA position 2863, G replaced by C.
Protein change: p.Val955Leu; replaces valine 955 with leucine.
Molecular consequence: missense variant.
Genome position (GRCh38, 1-based): chrX:71,127,349, G>C. VCF-style: chrX-71127349-G-C. GRCh37 (hg19) VCF-style: chrX-70347199-G-C.
Other names: short protein forms V955L.
Identifiers: ClinVar variation 2585786 (VCV002585786.2), dbSNP rs772101551, ClinGen allele CA413516427.
Genomic context (GRCh38, chrX:71,127,349, plus strand): 5'-GCCCGCATACCATCTGCTGACCCTCCCAACCTTGCTTCTTCATGCAGGCTGTGTGGCGTC[G>C]TGAAGCATGGGATGAACCGGTCCGATGGCTCCTCTGCAGAGCGCTGTATCCTTGCTTATC-3'
Protein context (NP_005111.2, residues 945-965): AQVFEGLCGV[Val955Leu]KHGMNRSDGS